The following is an entry in ClinVar:

ClinVar aggregate classification (germline): Uncertain significance (1 of 4 stars; one submission).

Allele frequency attached by ClinVar (database versions not stated): gnomAD exomes below 0.00001; TOPMed below 0.00001.

Submission:

Labcorp Genetics (formerly Invitae), Labcorp
Classification: Uncertain significance. Last evaluated: 2026-01-12. Review status: criteria provided, single submitter. Criteria: Invitae Variant Classification Sherloc (09022015). Collection method: clinical testing. Allele origin: germline.
Comment: This sequence change affects codon 106 of the NSMF mRNA. It is a 'silent' change, meaning that it does not change the encoded amino acid sequence of the NSMF protein. This variant is present in population databases (no rsID available, gnomAD 0.002%). This variant has not been reported in the literature in individuals affected with NSMF-related conditions. ClinVar contains an entry for this variant (Variation ID: 1907780). Algorithms developed to predict the effect of sequence changes on RNA splicing suggest that this variant may create or strengthen a splice site. In summary, the available evidence is currently insufficient to determine the role of this variant in disease. Therefore, it has been classified as a Variant of Uncertain Significance.

NM_001130969.3(NSMF):c.318G>T (p.Gly106=)

Gene: NSMF (NMDA receptor synaptonuclear signaling and neuronal migration factor; minus strand). Cytogenetic location: 9q34.3.
Variant type: single nucleotide variant.
Coding change: c.318G>T on transcript NM_001130969.3 (MANE Select); coding-DNA position 318, G replaced by T.
Protein change: p.Gly106=; no amino-acid change (glycine 106 retained).
Molecular consequence: synonymous variant.
Genome position (GRCh38, 1-based): chr9:137,457,717, C>A on the plus strand (G>T on the coding strand, the complement: NSMF is on the minus strand). VCF-style: chr9-137457717-C-A. GRCh37 (hg19) VCF-style: chr9-140352169-C-A.
Other names: c.318G>T, p.Gly106= (NM_001130970.2, NM_001130971.2, NM_001178064.2 and 2 more transcripts).
Identifiers: ClinVar variation 1907780 (VCV001907780.5), dbSNP rs1401434416, ClinGen allele CA467941421.